The following is an entry in ClinVar:

ClinVar aggregate classification (germline): Likely benign (1 of 4 stars; one submission).

Allele frequency attached by ClinVar (database versions not stated): gnomAD exomes 0.00027 and 0.00049; gnomAD 0.00028 and 0.00034; TOPMed 0.00033; 1000 Genomes Project 30x 0.00047; ExAC 0.00052; 1000 Genomes Project 0.00060.
gnomAD v4.1: 445 of 1,614,038 alleles (0.028%); highest among the groups gnomAD compares: East Asian, 0.32%; 3 homozygotes.

Submission:

GeneDx
Classification: Likely benign. Last evaluated: 2017-03-29. Review status: criteria provided, single submitter. Criteria: GeneDx Variant Classification (06012015). Collection method: clinical testing. Allele origin: germline. Affected: yes.
Comment: This variant is considered likely benign or benign based on one or more of the following criteria: it is a conservative change, it occurs at a poorly conserved position in the protein, it is predicted to be benign by multiple in silico algorithms, and/or has population frequency not consistent with disease.

NM_139343.3(BIN1):c.858-1421C>T

Gene: BIN1 (bridging integrator 1; minus strand). Cytogenetic location: 2q14.3.
Variant type: single nucleotide variant.
Coding change: c.858-1421C>T on transcript NM_139343.3 (MANE Select); 1421 bases into the intron before coding-DNA position 858, C replaced by T.
Molecular consequence: intron variant.
Genome position (GRCh38, 1-based): chr2:127,060,576, G>A on the plus strand (C>T on the coding strand, the complement: BIN1 is on the minus strand). VCF-style: chr2-127060576-G-A. GRCh37 (hg19) VCF-style: chr2-127818152-G-A.
Other names: c.777-1421C>T (NM_001320642.1); c.693-1421C>T (NM_001320634.1); c.765-1421C>T (NM_139351.3, NM_139350.3, NM_139349.3 and 3 more transcripts); c.809+20C>T (NM_001320632.2, NM_004305.4, NM_139346.3); c.858-1421C>T (NM_001320633.2, NM_139345.3, NM_139344.3 and 1 more transcripts).
Identifiers: ClinVar variation 508463 (VCV000508463.1), dbSNP rs201785629, ClinGen allele CA1857265.